The following is an entry in ClinVar:

ClinVar aggregate classification (germline): Uncertain significance. Review status: criteria provided, multiple submitters, no conflicts (2 of 4 stars). 7 submissions from 7 submitters: Uncertain significance (5). 2 of the submissions do not count toward it. Last evaluated 2025-10-27.

Conditions:
Duchenne muscular dystrophy (DMD). Also called: MUSCULAR DYSTROPHY, PSEUDOHYPERTROPHIC PROGRESSIVE, DUCHENNE TYPE; Duchenne Muscular Dystrophy (DMD). Identifiers: Orphanet 98896, MedGen C0013264, MONDO:0010679, OMIM 310200.
Becker muscular dystrophy (BMD). Also called: MUSCULAR DYSTROPHY, PSEUDOHYPERTROPHIC PROGRESSIVE, BECKER TYPE; Becker Muscular Dystrophy (BMD). Identifiers: Orphanet 98895, MedGen C0917713, MONDO:0010311, OMIM 300376.
Dystrophin deficiency.
Cardiomyopathy (CMYO). Also called: Cardiomyopathies. Identifiers: Orphanet 167848, MedGen C0878544, MONDO:0004994, HP:0001638. Inheritance: Various modes of inheritance.
Intellectual disability. Also called: Intellectual functioning disability; Intellectual developmental disorder; intellectual disabilities. Identifiers: MedGen C3714756, MeSH D008607, MONDO:0001071, HP:0001249.

Allele frequency attached by ClinVar (database versions not stated): TOPMed 0.00008; gnomAD 0.00009 and 0.00008; gnomAD exomes below 0.00001.
gnomAD v4.1: 15 of 1,135,330 alleles (0.0013%); highest among the groups gnomAD compares: African/African-American, 0.022%; no homozygotes.

Submissions (7):

Labcorp Genetics (formerly Invitae), Labcorp
Classification: Uncertain significance for Duchenne muscular dystrophy. Last evaluated: 2025-10-27. Review status: criteria provided, single submitter. Criteria: Invitae Variant Classification Sherloc (09022015). Collection method: clinical testing. Allele origin: germline.
Comment: This sequence change replaces leucine, which is neutral and non-polar, with serine, which is neutral and polar, at codon 1094 of the DMD protein (p.Leu1094Ser). The frequency data for this variant in the population databases is considered unreliable, as metrics indicate poor data quality at this position in the gnomAD database. This variant has not been reported in the literature in individuals affected with DMD-related conditions. ClinVar contains an entry for this variant (Variation ID: 228580). Invitae Evidence Modeling of protein sequence and biophysical properties (such as structural, functional, and spatial information, amino acid conservation, physicochemical variation, residue mobility, and thermodynamic stability) indicates that this missense variant is not expected to disrupt DMD protein function with a negative predictive value of 95%. In summary, the available evidence is currently insufficient to determine the role of this variant in disease. Therefore, it has been classified as a Variant of Uncertain Significance.

Cambridge Genomics Laboratory, East Genomic Laboratory Hub, NHS Genomic Medicine Service
Classification: Uncertain significance for Intellectual disability. Last evaluated: 2020-03-27. Review status: criteria provided, single submitter. Criteria: ACGS Best Practice Guidelines for Variant Classification in Rare Disease 2020. Collection method: clinical testing. Allele origin: germline. Affected: yes. Observed: 1 variant allele.

Revvity Omics, Revvity
Classification: Uncertain significance. Last evaluated: 2019-04-03. Review status: criteria provided, single submitter. Criteria: ACMG Guidelines, 2015. Collection method: clinical testing. Allele origin: germline.

Eurofins Ntd Llc (ga)
Classification: Uncertain significance. Last evaluated: 2017-06-06. Review status: criteria provided, single submitter. Criteria: EGL Classification Definitions 2015. Collection method: clinical testing. Allele origin: germline. Observed: 1 variant allele, 1 heterozygote.

Laboratory for Molecular Medicine, Mass General Brigham Personalized Medicine
Classification: Uncertain significance. Last evaluated: 2015-04-28. Review status: criteria provided, single submitter. Criteria: LMM Criteria. Collection method: clinical testing. Allele origin: germline. Observed: 1 variant allele.
Comment: The p.Leu1094Ser variant in DMD has not been previously reported in individuals with cardiomyopathy. Data from large population studies is insufficient to asses s its frequency. Computational prediction tools and conservation analysis do not provide strong support for or against an impact to the protein. In summary, the clinical significance of the p.Leu1094Ser variant is uncertain.

Natera, Inc.
Classification: Uncertain significance for Becker muscular dystrophy; Cardiomyopathy; Duchenne muscular dystrophy; Dystrophin deficiency. Last evaluated: 2020-05-06. Review status: no assertion criteria provided. Collection method: clinical testing. Allele origin: germline. Not counted in ClinVar's aggregate classification.

Department of Pathology and Laboratory Medicine, Sinai Health System
Classification: Uncertain significance. Review status: no assertion criteria provided. Collection method: clinical testing. Allele origin: unknown. Affected: yes. Study: The Canadian Open Genetics Repository (COGR). Not counted in ClinVar's aggregate classification.
Comment: The DMD p.Leu971Ser variant was not identified in the literature but was identified in dbSNP (ID: rs876657778) and ClinVar (classified as uncertain significance by EGL Genetics and Laboratory for Molecular Medicine). The variant was identified in control databases in 4 of 136057 chromosomes at a frequency of 0.0000294 (Genome Aggregation Database March 6, 2019, v2.1.1). The variant was observed in the African population in 4 of 15041 chromosomes (freq: 0.000266), but was not observed in the Latino, Ashkenazi Jewish, East Asian, European (Finnish), European (non-Finnish), Other, or South Asian populations. The p.Leu971 residue is conserved in mammals and computational analyses (PolyPhen-2, SIFT, AlignGVGD, BLOSUM, MutationTaster) suggest that the variant may impact to the protein; however this information is not predictive enough to assume pathogenicity. The variant occurs outside of the splicing consensus sequence and in silico or computational prediction software programs (SpliceSiteFinder, MaxEntScan, NNSPLICE, GeneSplicer) do not predict a difference in splicing. In summary, based on the above information the clinical significance of this variant cannot be determined with certainty at this time. This variant is classified as a variant of uncertain significance.

NM_004006.3(DMD):c.3281T>C (p.Leu1094Ser)

Gene: DMD (dystrophin; minus strand). Cytogenetic location: Xp21.1.
Variant type: single nucleotide variant.
Coding change: c.3281T>C on transcript NM_004006.3 (MANE Select); coding-DNA position 3281, T replaced by C.
Protein change: p.Leu1094Ser; replaces leucine 1094 with serine.
Molecular consequence: missense variant.
Genome position (GRCh38, 1-based): chrX:32,463,590, A>G on the plus strand (T>C on the coding strand, the complement: DMD is on the minus strand). VCF-style: chrX-32463590-A-G. GRCh37 (hg19) VCF-style: chrX-32481707-A-G.
Other names: c.3257T>C, p.Leu1086Ser (NM_000109.4); c.3269T>C, p.Leu1090Ser (NM_004009.3); c.2912T>C, p.Leu971Ser (NM_004010.3); short protein forms L1094S, L1086S, L971S, L1090S.
Identifiers: ClinVar variation 228580 (VCV000228580.19), dbSNP rs876657778, ClinGen allele CA10577167.